The following is an entry in ClinVar:

NM_004385.5(VCAN):c.1136C>T (p.Thr379Ile)

Gene: VCAN (versican; plus strand). Cytogenetic location: 5q14.3.
Variant type: single nucleotide variant.
Coding change: c.1136C>T on transcript NM_004385.5 (MANE Select); coding-DNA position 1136, C replaced by T.
Protein change: p.Thr379Ile; replaces threonine 379 with isoleucine.
Molecular consequence: missense variant. On other transcripts: intron variant (2).
Genome position (GRCh38, 1-based): chr5:83,519,442, C>T. VCF-style: chr5-83519442-C-T. GRCh37 (hg19) VCF-style: chr5-82815261-C-T.
Other names: c.1136C>T (NM_004385.4); c.1136C>T, p.Thr379Ile (NM_001164098.2); c.1042+7046C>T (NM_001164097.2, NM_001126336.3); short protein forms T379I.
Identifiers: ClinVar variation 1975319 (VCV001975319.6), dbSNP rs1296395917, ClinGen allele CA360299114.
Genomic context (GRCh38, chr5:83,519,442, plus strand): 5'-TCGCAGAAACTGCATCACCCAGTTTATCCAAAGAACCACAAATGGTTTCTGATAGAACTA[C>T]ACCAATCATCCCTTTAGTTGATGAATTACCTGTCATTCCAACAGAGTTCCCTCCCGTGGG-3'
Protein context (NP_004376.2, residues 369-389): KEPQMVSDRT[Thr379Ile]PIIPLVDELP

ClinVar aggregate classification (germline): Uncertain significance. Review status: criteria provided, multiple submitters, no conflicts (2 of 4 stars). 2 submissions from 2 submitters: Uncertain significance (2). Last evaluated 2025-06-18.

Conditions:
Inborn genetic diseases. Identifiers: MedGen C0950123, MeSH D030342.

Allele frequency attached by ClinVar (database versions not stated): gnomAD exomes below 0.00001; gnomAD 0.00001; TOPMed 0.00001.
gnomAD v4.1: 3 of 1,614,048 alleles (0.00019%); highest among the groups gnomAD compares: African/African-American, 0.0013%; no homozygotes.

Submissions (2):

Ambry Genetics
Classification: Uncertain significance for Inborn genetic diseases. Last evaluated: 2025-06-18. Review status: criteria provided, single submitter. Criteria: Ambry Variant Classification Scheme 2023. Collection method: clinical testing. Allele origin: germline.

Labcorp Genetics (formerly Invitae), Labcorp
Classification: Uncertain significance. Last evaluated: 2023-01-01. Review status: criteria provided, single submitter. Criteria: Invitae Variant Classification Sherloc (09022015). Collection method: clinical testing. Allele origin: germline.
Comment: Algorithms developed to predict the effect of missense changes on protein structure and function output the following: SIFT: "Deleterious"; PolyPhen-2: "Benign"; Align-GVGD: "Class C65". The isoleucine amino acid residue is found in multiple mammalian species, which suggests that this missense change does not adversely affect protein function. This variant has not been reported in the literature in individuals affected with VCAN-related conditions. This variant is present in population databases (no rsID available, gnomAD 0.004%). This sequence change replaces threonine, which is neutral and polar, with isoleucine, which is neutral and non-polar, at codon 379 of the VCAN protein (p.Thr379Ile). In summary, the available evidence is currently insufficient to determine the role of this variant in disease. Therefore, it has been classified as a Variant of Uncertain Significance.